The following is an entry in ClinVar:

NM_000718.4(CACNA1B):c.2663_2668dup (p.Pro888_His889dup)

Gene: CACNA1B (calcium voltage-gated channel subunit alpha1 B; plus strand). Cytogenetic location: 9q34.3.
Variant type: Duplication.
Coding change: c.2663_2668dup on transcript NM_000718.4 (MANE Select); coding-DNA positions 2663 to 2668, 6 bases duplicated (CGCACC; older notation c.2663_2668dupCGCACC).
Protein change: p.Pro888_His889dup.
Molecular consequence: inframe insertion.
Genome position (GRCh38, 1-based): chr9:138,023,406-138,023,411, CGCACC duplicated; duplicating any 6 consecutive bases within chr9:138,023,405-138,023,411 gives the same sequence; the c. name uses the placement nearest the transcript's 3' end. VCF-style (leftmost placement, unchanged base first): chr9-138023404-G-GCCGCAC. GRCh37 (hg19) VCF-style: chr9-140917856-G-GCCGCAC.
Other names: c.2663_2668dup6 (NM_000718.3); c.2663_2668dup (NM_000718.3); c.2663_2668dup, p.Pro888_His889dup (NM_001243812.2).
Identifiers: ClinVar variation 1532557 (VCV001532557.12), dbSNP rs1200621914, ClinGen allele CA591376240.
Genomic context (GRCh38, chr9:138,023,404, plus strand): 5'-CCGAGCAGAGGCCCCGAAGGCGGAGAGCGGGGAGCCCGGTGCCCGGGAGGAGCGGCCGCG[G>GCCGCAC]CCGCACCGCAGCCACAGCAAGGAGGCCGCGGGGCCCCCGGAGGCGCGGAGCGAGCGCGGC-3'

ClinVar aggregate classification (germline): Conflicting classifications of pathogenicity. Review status: criteria provided, conflicting classifications (1 of 4 stars). 3 submissions from 3 submitters: Uncertain significance (1); Likely benign (1). 1 of the submissions does not count toward it. Last evaluated 2026-02-02.

Conditions:
CACNA1B-related disorder. Also called: CACNA1B-related condition.

Submissions (3):

Labcorp Genetics (formerly Invitae), Labcorp
Classification: Likely benign. Last evaluated: 2026-02-02. Review status: criteria provided, single submitter. Criteria: Invitae Variant Classification Sherloc (09022015). Collection method: clinical testing. Allele origin: germline.

GeneDx
Classification: Uncertain significance. Last evaluated: 2025-05-23. Review status: criteria provided, single submitter. Criteria: GeneDx Variant Classification Process June 2021. Collection method: clinical testing. Allele origin: germline.
Comment: In-frame deletion of 2 amino acids in a non-repeat region; Has not been previously published as pathogenic or benign to our knowledge

PreventionGenetics, part of Exact Sciences
Classification: Likely benign for CACNA1B-related condition. Last evaluated: 2022-10-12. Review status: no assertion criteria provided. Collection method: clinical testing. Allele origin: germline. Not counted in ClinVar's aggregate classification.
Comment: This variant is classified as likely benign based on ACMG/AMP sequence variant interpretation guidelines (Richards et al. 2015 PMID: 25741868, with internal and published modifications).